The following is an entry in ClinVar:

NM_001943.5(DSG2):c.244G>A (p.Gly82Arg)

Gene: DSG2 (desmoglein 2; plus strand). Cytogenetic location: 18q12.1.
Variant type: single nucleotide variant.
Coding change: c.244G>A on transcript NM_001943.5 (MANE Select); coding-DNA position 244, G replaced by A.
Protein change: p.Gly82Arg; replaces glycine 82 with arginine.
Molecular consequence: missense variant.
Genome position (GRCh38, 1-based): chr18:31,520,830, G>A. VCF-style: chr18-31520830-G-A. GRCh37 (hg19) VCF-style: chr18-29100793-G-A.
Other names: short protein forms G82R.
Identifiers: ClinVar variation 925836 (VCV000925836.7), dbSNP rs762769555, ClinGen allele CA046063.
Genomic context (GRCh38, chr18:31,520,830, plus strand): 5'-CAACCTGAAACATTCCTGTTATTTTTATGTTAGATACATTCTGATCTTGCAGAAGAAAGA[G>A]GACTCAAAATTACTTACAAATACACTGGAAAAGGGATTACAGAGCCACCTTTTGGTATAT-3'
Protein context (NP_001934.2, residues 72-92): KIHSDLAEER[Gly82Arg]LKITYKYTGK

ClinVar aggregate classification (germline): Uncertain significance. Review status: criteria provided, multiple submitters, no conflicts (2 of 4 stars). 3 submissions from 3 submitters: Uncertain significance (3). Last evaluated 2025-02-17.

Conditions:
Cardiomyopathy (CMYO). Also called: Cardiomyopathies. Identifiers: Orphanet 167848, MedGen C0878544, MONDO:0004994, HP:0001638. Inheritance: Various modes of inheritance.
Arrhythmogenic right ventricular cardiomyopathy (ARVD). Also called: Arrhythmogenic cardiomyopathy; Cardiomyopathy, ARVC; Arrhythmogenic right ventricular dysplasia; Arrhythmogenic Right Ventricular Cardiomyopathy (ARVC). Identifiers: Orphanet 247, MedGen C0349788, MeSH D019571, MONDO:0016587. Disease mechanism: loss of function. Inheritance: Various modes of inheritance.
Arrhythmogenic right ventricular dysplasia 10. Also called: Arrhythmogenic Right Ventricular Dysplasia/Cardiomyopathy10; ARRHYTHMOGENIC RIGHT VENTRICULAR DYSPLASIA, FAMILIAL, 10; Arrhythmogenic right ventricular dysplasia/cardiomyopathy, type 10. Identifiers: MedGen C1857777, MONDO:0012434, OMIM 610193.

Allele frequency attached by ClinVar (database versions not stated): TOPMed below 0.00001; ExAC 0.00001; gnomAD exomes 0.00001 and 0.00002.
gnomAD v4.1: 5 of 1,613,654 alleles (0.00031%); highest among the groups gnomAD compares: Admixed American, 0.005%; no homozygotes.

Submissions (3):

Labcorp Genetics (formerly Invitae), Labcorp
Classification: Uncertain significance for Arrhythmogenic right ventricular dysplasia 10. Last evaluated: 2025-02-17. Review status: criteria provided, single submitter. Criteria: Invitae Variant Classification Sherloc (09022015). Collection method: clinical testing. Allele origin: germline.
Comment: This sequence change replaces glycine, which is neutral and non-polar, with arginine, which is basic and polar, at codon 82 of the DSG2 protein (p.Gly82Arg). This variant is present in population databases (rs762769555, gnomAD 0.01%). This variant has not been reported in the literature in individuals affected with DSG2-related conditions. ClinVar contains an entry for this variant (Variation ID: 925836). Invitae Evidence Modeling of protein sequence and biophysical properties (such as structural, functional, and spatial information, amino acid conservation, physicochemical variation, residue mobility, and thermodynamic stability) indicates that this missense variant is not expected to disrupt DSG2 protein function with a negative predictive value of 95%. In summary, the available evidence is currently insufficient to determine the role of this variant in disease. Therefore, it has been classified as a Variant of Uncertain Significance.

Color Diagnostics, LLC DBA Color Health
Classification: Uncertain significance for Cardiomyopathy. Last evaluated: 2024-03-06. Review status: criteria provided, single submitter. Criteria: ACMG Guidelines, 2015. Collection method: clinical testing. Allele origin: germline.
Comment: This missense variant replaces glycine with arginine at codon 82 of the DSG2 protein. Computational prediction suggests that this variant may not impact protein structure and function (internally defined REVEL score threshold <= 0.5, PMID: 27666373). To our knowledge, functional studies have not been reported for this variant. This variant has not been reported in individuals affected with cardiovascular disorders in the literature. This variant has been identified in 5/249192 chromosomes in the general population by the Genome Aggregation Database (gnomAD). The available evidence is insufficient to determine the role of this variant in disease conclusively. Therefore, this variant is classified as a Variant of Uncertain Significance.

All of Us Research Program, National Institutes of Health
Classification: Uncertain significance for Arrhythmogenic right ventricular cardiomyopathy. Last evaluated: 2023-09-17. Review status: criteria provided, single submitter. Criteria: ACMG Guidelines, 2015. Collection method: clinical testing. Allele origin: germline. Inheritance: Autosomal dominant inheritance. Observed: 3 variant alleles, 3 heterozygotes.
Comment: This missense variant replaces glycine with arginine at codon 82 of the DSG2 protein. Computational prediction tools and conservation analyses suggest that this variant may not impact protein function. Computational splicing tools suggest that this variant may not impact RNA splicing. To our knowledge, functional assays have not been performed for this variant nor has this variant been reported in individuals affected with cardiovascular disorders in the literature. This variant has been identified in 5/249192 chromosomes in the general population by the Genome Aggregation Database (gnomAD). Available evidence is insufficient to determine the role of this variant in disease conclusively. Therefore, this variant is classified as a Variant of Uncertain Significance.

This study involves interpretation of variants in research participants for the purpose of population health screening. Participant phenotype was not available at the time of variant classification. Additional details can be found in publication PMID: 35346344, PMCID: PMC8962531